The following is an entry in ClinVar:

NM_006904.7(PRKDC):c.2650G>T (p.Val884Leu)

Gene: PRKDC (protein kinase, DNA-activated, catalytic subunit; minus strand). Cytogenetic location: 8q11.21.
Variant type: single nucleotide variant.
Coding change: c.2650G>T on transcript NM_006904.7 (MANE Select); coding-DNA position 2650, G replaced by T.
Protein change: p.Val884Leu; replaces valine 884 with leucine.
Molecular consequence: missense variant.
Genome position (GRCh38, 1-based): chr8:47,914,032, C>A on the plus strand (G>T on the coding strand, the complement: PRKDC is on the minus strand). VCF-style: chr8-47914032-C-A. GRCh37 (hg19) VCF-style: chr8-48826592-C-A.
Other names: c.2650G>T, p.Val884Leu (NM_001081640.2); short protein forms V884L.
Identifiers: ClinVar variation 2564506 (VCV002564506.2), dbSNP rs2551876889, ClinGen allele CA371159515.

ClinVar aggregate classification (germline): Uncertain significance (1 of 4 stars; one submission).

Submission:

Ambry Genetics
Classification: Uncertain significance. Last evaluated: 2023-03-24. Review status: criteria provided, single submitter. Criteria: Ambry Variant Classification Scheme 2023. Collection method: clinical testing. Allele origin: germline.
Comment: The p.V884L variant (also known as c.2650G>T), located in coding exon 24 of the PRKDC gene, results from a G to T substitution at nucleotide position 2650. The valine at codon 884 is replaced by leucine, an amino acid with highly similar properties. This amino acid position is conserved. In addition, this alteration is predicted to be tolerated by in silico analysis. Since supporting evidence is limited at this time, the clinical significance of this alteration remains unclear.